The following is an entry in ClinVar:

NM_002850.4(PTPRS):c.4770-6C>T

Gene: PTPRS (protein tyrosine phosphatase receptor type S; minus strand). Cytogenetic location: 19p13.3.
Variant type: single nucleotide variant.
Coding change: c.4770-6C>T on transcript NM_002850.4 (MANE Select); 6 bases into the intron before coding-DNA position 4770, C replaced by T.
Molecular consequence: intron variant.
Genome position (GRCh38, 1-based): chr19:5,212,256, G>A on the plus strand (C>T on the coding strand, the complement: PTPRS is on the minus strand). VCF-style: chr19-5212256-G-A. GRCh37 (hg19) VCF-style: chr19-5212267-G-A.
Other names: c.3429-6C>T (NM_130853.3); c.4656-6C>T (NM_130854.3); c.3441-6C>T (NM_130855.3).
Identifiers: ClinVar variation 773079 (VCV000773079.6), dbSNP rs116727277, ClinGen allele CA9108975.
Genomic context (GRCh38, chr19:5,212,256, plus strand): 5'-CCGCTCAAGCATGGCGTCGATGACGATAAAGCAGCCTGTGCGGCCCACACCGGCACTGCA[G>A]GGACAGCCACGTGGCGTTCAGGGGCTGCTGGGCTGCGGGGACCGGGGGGAAGCGGATGGG-3'

ClinVar aggregate classification (germline): Benign. Review status: criteria provided, single submitter (1 of 4 stars). 2 submissions from 2 submitters: Benign (1). 1 of the submissions does not count toward it. Last evaluated 2019-12-31.

Conditions:
PTPRS-related disorder. Also called: PTPRS-related condition.

Allele frequency attached by ClinVar (database versions not stated): gnomAD exomes 0.00136 and 0.00377; ExAC 0.00467; gnomAD 0.01469 and 0.01562; ESP Exome Variant Server 0.01584; TOPMed 0.01605; 1000 Genomes Project 0.01697; 1000 Genomes Project 30x 0.01999.
gnomAD v4.1: 4,323 of 1,609,414 alleles (0.27%); highest among the groups gnomAD compares: African/African-American, 4.8%; 82 homozygotes.

Submissions (2):

Labcorp Genetics (formerly Invitae), Labcorp
Classification: Benign. Last evaluated: 2019-12-31. Review status: criteria provided, single submitter. Criteria: Invitae Variant Classification Sherloc (09022015). Collection method: clinical testing. Allele origin: germline.

PreventionGenetics, part of Exact Sciences
Classification: Benign for PTPRS-related condition. Last evaluated: 2019-02-18. Review status: no assertion criteria provided. Collection method: clinical testing. Allele origin: germline. Not counted in ClinVar's aggregate classification.
Comment: This variant is classified as benign based on ACMG/AMP sequence variant interpretation guidelines (Richards et al. 2015 PMID: 25741868, with internal and published modifications).